The following is an entry in ClinVar:

NM_002314.4(LIMK1):c.1080G>A (p.Glu360=)

Gene: LIMK1 (LIM domain kinase 1; plus strand). Cytogenetic location: 7q11.23.
Variant type: single nucleotide variant.
Coding change: c.1080G>A on transcript NM_002314.4 (MANE Select); coding-DNA position 1080, G replaced by A.
Protein change: p.Glu360=; no amino-acid change (glutamic acid 360 retained).
Molecular consequence: synonymous variant.
Genome position (GRCh38, 1-based): chr7:74,107,885, G>A. VCF-style: chr7-74107885-G-A. GRCh37 (hg19) VCF-style: chr7-73522215-G-A.
Other names: c.978G>A, p.Glu326= (NM_001204426.2).
Identifiers: ClinVar variation 726650 (VCV000726650.6), dbSNP rs55994327, ClinGen allele CA4293819.
Genomic context (GRCh38, chr7:74,107,885, plus strand): 5'-CTTACAGCAGAGCTTCTGTCTTCACACCTCTGTGTCCCACACGCAGGTGACACACCGTGA[G>A]ACAGGTGAGGTGATGGTGATGAAGGAGCTGATCCGGTTCGACGAGGAGACCCAGAGGACG-3'
Protein context (NP_002305.1, residues 350-370): FGQAIKVTHR[Glu360=]TGEVMVMKEL

ClinVar aggregate classification (germline): Benign. Review status: criteria provided, single submitter (1 of 4 stars). 2 submissions from 2 submitters: Benign (1). 1 of the submissions does not count toward it. Last evaluated 2019-12-31.

Conditions:
LIMK1-related disorder. Also called: LIMK1-related condition.

Allele frequency attached by ClinVar (database versions not stated): 1000 Genomes Project 30x 0.00031; 1000 Genomes Project 0.00040; TOPMed 0.00048; gnomAD 0.00064 and 0.00069; gnomAD exomes 0.00066 and 0.00107; ESP Exome Variant Server 0.00069; ExAC 0.00152.
gnomAD v4.1: 1,599 of 1,573,522 alleles (0.1%); highest among the groups gnomAD compares: Non-Finnish European, 0.13%; 1 homozygote.

Submissions (2):

Labcorp Genetics (formerly Invitae), Labcorp
Classification: Benign. Last evaluated: 2019-12-31. Review status: criteria provided, single submitter. Criteria: Invitae Variant Classification Sherloc (09022015). Collection method: clinical testing. Allele origin: germline.

PreventionGenetics, part of Exact Sciences
Classification: Likely benign for LIMK1-related condition. Last evaluated: 2019-02-18. Review status: no assertion criteria provided. Collection method: clinical testing. Allele origin: germline. Not counted in ClinVar's aggregate classification.
Comment: This variant is classified as likely benign based on ACMG/AMP sequence variant interpretation guidelines (Richards et al. 2015 PMID: 25741868, with internal and published modifications).